The following is an entry in ClinVar:

ClinVar aggregate classification (germline): Pathogenic (1 of 4 stars; one submission).

Conditions:
Proteosome-associated autoinflammatory syndrome. Also called: Proteasome-associated autoinflammatory syndrome. Identifiers: Orphanet 324977, MedGen C1850568, MONDO:0009726.

gnomAD v4.1: 1 of 1,612,566 alleles (0.000062%); highest among the groups gnomAD compares: Non-Finnish European, 0.000085%; no homozygotes.

Submission:

Labcorp Genetics (formerly Invitae), Labcorp
Classification: Pathogenic for Proteosome-associated autoinflammatory syndrome. Last evaluated: 2023-04-28. Review status: criteria provided, single submitter. Criteria: Invitae Variant Classification Sherloc (09022015). Collection method: clinical testing. Allele origin: germline.
Comment: For these reasons, this variant has been classified as Pathogenic. This variant has not been reported in the literature in individuals affected with PSMB8-related conditions. This variant is not present in population databases (gnomAD no frequency). This sequence change creates a premature translational stop signal (p.Ser17*) in the PSMB8 gene. It is expected to result in an absent or disrupted protein product. Loss-of-function variants in PSMB8 are known to be pathogenic (PMID: 26524591).

Literature cited by the submitters: PubMed 26524591.

NM_148919.4(PSMB8):c.50C>A (p.Ser17Ter)

Gene: PSMB8 (proteasome 20S subunit beta 8; minus strand). Cytogenetic location: 6p21.32.
Variant type: single nucleotide variant.
Coding change: c.50C>A on transcript NM_148919.4 (MANE Select); coding-DNA position 50, C replaced by A.
Protein change: p.Ser17Ter; replaces serine 17 with a stop codon.
Molecular consequence: nonsense. On other transcripts: intron variant (1).
Genome position (GRCh38, 1-based): chr6:32,843,947, G>T on the plus strand (C>A on the coding strand, the complement: PSMB8 is on the minus strand). VCF-style: chr6-32843947-G-T. GRCh37 (hg19) VCF-style: chr6-32811724-G-T.
Other names: c.135+332C>A (NM_004159.5); short protein forms S17*.
Identifiers: ClinVar variation 2860423 (VCV002860423.3), dbSNP rs1312431639, ClinGen allele CA363589830.